The following is an entry in ClinVar:

NM_005070.4(SLC4A3):c.2627C>T (p.Ala876Val)

Gene: SLC4A3 (solute carrier family 4 member 3; plus strand). Cytogenetic location: 2q35.
Variant type: single nucleotide variant.
Coding change: c.2627C>T on transcript NM_005070.4 (MANE Select); coding-DNA position 2627, C replaced by T.
Protein change: p.Ala876Val; replaces alanine 876 with valine.
Molecular consequence: missense variant. On other transcripts: non-coding transcript variant (1).
Genome position (GRCh38, 1-based): chr2:219,637,672, C>T. VCF-style: chr2-219637672-C-T. GRCh37 (hg19) VCF-style: chr2-220502394-C-T.
Other names: p.Ala903Val; c.2708C>T, p.Ala903Val (NM_001326559.2, NM_201574.3); short protein forms A876V, A903V.
Identifiers: ClinVar variation 3798020 (VCV003798020.2).

ClinVar aggregate classification (germline): Uncertain significance. Review status: criteria provided, multiple submitters, no conflicts (2 of 4 stars). 2 submissions from 2 submitters: Uncertain significance (2). Last evaluated 2025-10-21.

Conditions:
Inborn genetic diseases. Identifiers: MedGen C0950123, MeSH D030342.

gnomAD v4.1: 22 of 1,611,872 alleles (0.0014%); highest among the groups gnomAD compares: Non-Finnish European, 0.0017%; no homozygotes.

Submissions (2):

Mayo Clinic Laboratories, Mayo Clinic
Classification: Uncertain significance. Last evaluated: 2025-10-21. Review status: criteria provided, single submitter. Criteria: ACMG Guidelines, 2015. Collection method: clinical testing. Allele origin: germline. Observed: 1 variant allele.
Comment: BP4, PM2_supporting

Ambry Genetics
Classification: Uncertain significance for Inborn genetic diseases. Last evaluated: 2025-02-01. Review status: criteria provided, single submitter. Criteria: Ambry Variant Classification Scheme 2023. Collection method: clinical testing. Allele origin: germline.